The following is an entry in ClinVar:

NM_001127198.5(TMC6):c.1423dup (p.Leu475fs)

Gene: TMC6 (transmembrane channel like 6; minus strand). Cytogenetic location: 17q25.3.
Variant type: Duplication.
Coding change: c.1423dup on transcript NM_001127198.5 (MANE Select); coding-DNA position 1423, one base duplicated (C; older notation c.1423dupC).
Protein change: p.Leu475fs; shifts the reading frame from leucine 475.
Molecular consequence: frameshift variant. On other transcripts: non-coding transcript variant (4).
Genome position (GRCh38, 1-based): chr17:78,121,125, G duplicated on the plus strand (C on the coding strand, the reverse complement: TMC6 is on the minus strand); the first of 2 consecutive G bases (chr17:78,121,125-78,121,126); duplicating either gives the same sequence. VCF-style (leftmost placement, unchanged base first): chr17-78121124-A-AG. GRCh37 (hg19) VCF-style: chr17-76117205-A-AG.
Other names: c.1423dup, p.Leu475fs (NM_001374594.1, NM_001374596.1, NM_001375353.1 and 4 more transcripts); short protein forms L475fs.
Identifiers: ClinVar variation 4762544 (VCV004762544.1).
Genomic context (GRCh38, chr17:78,121,124, plus strand): 5'-GCGGCCAGGACACGGCACAGGTAGGGGGCCCCCAGGTTGAGGAGGCCAACCACCAGGGGC[A>AG]GGACCAGCAGCACAGCCTCCTGGCCAGCAGCCTCTGGACTCTGCAGGGGTGCAGGGAGCG-3'

ClinVar aggregate classification (germline): Pathogenic (1 of 4 stars; one submission).

Conditions:
Epidermodysplasia verruciformis. Identifiers: Orphanet 302, MedGen C0014522, MONDO:0009176.

Submission:

Labcorp Genetics (formerly Invitae), Labcorp
Classification: Pathogenic for Epidermodysplasia verruciformis. Last evaluated: 2025-04-05. Review status: criteria provided, single submitter. Criteria: Invitae Variant Classification Sherloc (09022015). Collection method: clinical testing. Allele origin: germline.
Comment: This sequence change creates a premature translational stop signal (p.Leu475Profs*26) in the TMC6 gene. It is expected to result in an absent or disrupted protein product. Loss-of-function variants in TMC6 are known to be pathogenic (PMID: 15042430, 17139267). This variant is not present in population databases (gnomAD no frequency). This variant has not been reported in the literature in individuals affected with TMC6-related conditions. For these reasons, this variant has been classified as Pathogenic.

Literature cited by the submitters: PubMed 15042430; PubMed 17139267.